The following is an entry in ClinVar:

ClinVar aggregate classification (germline): Uncertain significance (1 of 4 stars; one submission).

Conditions:
Congenital myasthenic syndrome 8. Also called: MYASTHENIC SYNDROME, CONGENITAL, DUE TO AGRIN DEFICIENCY; Myasthenic syndrome, congenital, 8, with pre- and postsynaptic defects. Identifiers: Orphanet 590, MedGen C3808739, MONDO:0014052, OMIM 615120.

Allele frequency attached by ClinVar (database versions not stated): gnomAD 0.00002; TOPMed 0.00002; ExAC 0.00003; gnomAD exomes 0.00003.

Submission:

Labcorp Genetics (formerly Invitae), Labcorp
Classification: Uncertain significance for Congenital myasthenic syndrome 8. Last evaluated: 2023-05-06. Review status: criteria provided, single submitter. Criteria: Invitae Variant Classification Sherloc (09022015). Collection method: clinical testing. Allele origin: germline.
Comment: In summary, the available evidence is currently insufficient to determine the role of this variant in disease. Therefore, it has been classified as a Variant of Uncertain Significance. An algorithm developed to predict the effect of missense changes on protein structure and function (PolyPhen-2) suggests that this variant is likely to be disruptive. This variant has not been reported in the literature in individuals affected with AGRN-related conditions. This variant is present in population databases (rs749437093, gnomAD 0.02%). This sequence change replaces glutamic acid, which is acidic and polar, with lysine, which is basic and polar, at codon 547 of the AGRN protein (p.Glu547Lys).

NM_198576.4(AGRN):c.1639G>A (p.Glu547Lys)

Gene: AGRN (agrin; plus strand). Cytogenetic location: 1p36.33.
Variant type: single nucleotide variant.
Coding change: c.1639G>A on transcript NM_198576.4 (MANE Select); coding-DNA position 1639, G replaced by A.
Protein change: p.Glu547Lys; replaces glutamic acid 547 with lysine.
Molecular consequence: missense variant.
Genome position (GRCh38, 1-based): chr1:1,043,573, G>A. VCF-style: chr1-1043573-G-A. GRCh37 (hg19) VCF-style: chr1-978953-G-A.
Other names: c.1639G>A, p.Glu547Lys (NM_001305275.2); c.1324G>A, p.Glu442Lys (NM_001364727.2); short protein forms E442K, E547K.
Identifiers: ClinVar variation 2705205 (VCV002705205.1), dbSNP rs749437093, ClinGen allele CA508278.